The following is an entry in ClinVar:

NM_001372076.1(PAX9):c.346A>T (p.Asn116Tyr)

Gene: PAX9 (paired box 9; plus strand). Cytogenetic location: 14q13.3.
Variant type: single nucleotide variant.
Coding change: c.346A>T on transcript NM_001372076.1 (MANE Select); coding-DNA position 346, A replaced by T.
Protein change: p.Asn116Tyr; replaces asparagine 116 with tyrosine.
Molecular consequence: missense variant.
Genome position (GRCh38, 1-based): chr14:36,663,238, A>T. VCF-style: chr14-36663238-A-T. GRCh37 (hg19) VCF-style: chr14-37132443-A-T.
Other names: c.346A>T, p.Asn116Tyr (NM_006194.4); short protein forms N116Y.
Identifiers: ClinVar variation 950714 (VCV000950714.9), dbSNP rs1398460057, ClinGen allele CA389466639.

ClinVar aggregate classification (germline): Uncertain significance (1 of 4 stars; one submission).

Conditions:
Hypodontia. Also called: Partial congenital absence of teeth; TOOTH AGENESIS, FAMILIAL; Tooth agenesis, selective. Identifiers: Orphanet 99798, MedGen C0020608, MONDO:0005486, HP:0000668. Disease mechanism: loss of function.

Submission:

Labcorp Genetics (formerly Invitae), Labcorp
Classification: Uncertain significance for Hypodontia. Last evaluated: 2019-06-13. Review status: criteria provided, single submitter. Criteria: Invitae Variant Classification Sherloc (09022015). Collection method: clinical testing. Allele origin: germline.
Comment: In summary, the available evidence is currently insufficient to determine the role of this variant in disease. Therefore, it has been classified as a Variant of Uncertain Significance. Algorithms developed to predict the effect of missense changes on protein structure and function (SIFT, PolyPhen-2, Align-GVGD) all suggest that this variant is likely to be disruptive, but these predictions have not been confirmed by published functional studies and their clinical significance is uncertain. This variant has not been reported in the literature in individuals with PAX9-related conditions. This variant is not present in population databases (ExAC no frequency). This sequence change replaces asparagine with tyrosine at codon 116 of the PAX9 protein (p.Asn116Tyr). The asparagine residue is highly conserved and there is a large physicochemical difference between asparagine and tyrosine.